The following is an entry in ClinVar:

NM_000051.4(ATM):c.6129C>T (p.Gly2043=)

Genes: ATM (ATM serine/threonine kinase; plus strand), C11orf65 (chromosome 11 open reading frame 65; minus strand). Cytogenetic location: 11q22.3.
Variant type: single nucleotide variant.
Coding change: c.6129C>T on transcript NM_000051.4 (MANE Select); coding-DNA position 6129, C replaced by T.
Protein change: p.Gly2043=; no amino-acid change (glycine 2043 retained).
Molecular consequence: synonymous variant. On other transcripts: intron variant (2).
Genome position (GRCh38, 1-based): chr11:108,316,044, C>T. VCF-style: chr11-108316044-C-T. GRCh37 (hg19) VCF-style: chr11-108186771-C-T.
Other names: c.6129C>T, p.Gly2043= (NM_001351834.2); c.641-6973G>A (NM_001330368.2); c.*39-6973G>A (NM_001351110.2).
Identifiers: ClinVar variation 2715857 (VCV002715857.5), dbSNP rs2084616063, ClinGen allele CA476675651.

ClinVar aggregate classification (germline): Benign/Likely benign. Review status: criteria provided, multiple submitters, no conflicts (2 of 4 stars). 3 submissions from 3 submitters: Benign (1); Likely benign (2). Last evaluated 2025-08-28.

Conditions:
Ataxia-telangiectasia syndrome (AT). Also called: LOUIS-BAR SYNDROME; Cerebello-oculocutaneous telangiectasia; Immunodeficiency with ataxia telangiectasia; Ataxia telangiectasia (A-T); Ataxia-telangiectasia, complementation group D; AT, COMPLEMENTATION GROUP C. Identifiers: Orphanet 100, MedGen C0004135, MONDO:0008840, OMIM 208900.
Familial cancer of breast. Also called: BREAST CANCER, FAMILIAL; Hereditary breast cancer; hereditary breast carcinoma. Identifiers: Orphanet 227535, MedGen C0346153, MONDO:0016419, OMIM 114480. Disease mechanism: loss of function.
Hereditary cancer-predisposing syndrome. Also called: Tumor predisposition; Neoplastic Syndromes, Hereditary; Hereditary Cancer Syndrome; Hereditary neoplastic syndrome. Identifiers: Orphanet 140162, MedGen C0027672, MeSH D009386, MONDO:0015356.

Submissions (3):

Ambry Genetics
Classification: Likely benign for Hereditary cancer-predisposing syndrome. Last evaluated: 2025-08-28. Review status: criteria provided, single submitter. Criteria: Ambry Variant Classification Scheme 2023. Collection method: clinical testing. Allele origin: germline.

Myriad Genetics, Inc.
Classification: Benign for Familial cancer of breast. Last evaluated: 2024-06-03. Review status: criteria provided, single submitter. Criteria: Myriad Autosomal Dominant, Autosomal Recessive and X-Linked Classification Criteria (2023). Collection method: clinical testing. Allele origin: unknown.
Comment: This variant is considered benign. This variant is a silent/synonymous amino acid change and it is not expected to impact splicing.

Labcorp Genetics (formerly Invitae), Labcorp
Classification: Likely benign for Ataxia-telangiectasia syndrome. Last evaluated: 2023-06-15. Review status: criteria provided, single submitter. Criteria: Invitae Variant Classification Sherloc (09022015). Collection method: clinical testing. Allele origin: germline.